The following is an entry in ClinVar:

ClinVar aggregate classification (germline): Uncertain significance (1 of 4 stars; one submission).

gnomAD v4.1: 2 of 1,614,090 alleles (0.00012%); highest among the groups gnomAD compares: Non-Finnish European, 0.00017%; no homozygotes.

Submission:

Labcorp Genetics (formerly Invitae), Labcorp
Classification: Uncertain significance. Last evaluated: 2025-06-27. Review status: criteria provided, single submitter. Criteria: Invitae Variant Classification Sherloc (09022015). Collection method: clinical testing. Allele origin: germline.
Comment: This sequence change affects codon 479 of the GRIN2D mRNA. It is a 'silent' change, meaning that it does not change the encoded amino acid sequence of the GRIN2D protein. This variant is not present in population databases (gnomAD no frequency). This variant has not been reported in the literature in individuals affected with GRIN2D-related conditions. Algorithms developed to predict the effect of sequence changes on RNA splicing suggest that this variant may create or strengthen a splice site. In summary, the available evidence is currently insufficient to determine the role of this variant in disease. Therefore, it has been classified as a Variant of Uncertain Significance.

NM_000836.4(GRIN2D):c.1437G>A (p.Pro479=)

Gene: GRIN2D (glutamate ionotropic receptor NMDA type subunit 2D; plus strand). Cytogenetic location: 19q13.33.
Variant type: single nucleotide variant.
Coding change: c.1437G>A on transcript NM_000836.4 (MANE Select); coding-DNA position 1437, G replaced by A.
Protein change: p.Pro479=; no amino-acid change (proline 479 retained).
Molecular consequence: synonymous variant.
Genome position (GRCh38, 1-based): chr19:48,414,888, G>A. VCF-style: chr19-48414888-G-A. GRCh37 (hg19) VCF-style: chr19-48918145-G-A.
Identifiers: ClinVar variation 4763409 (VCV004763409.1).
Genomic context (GRCh38, chr19:48,414,888, plus strand): 5'-GTCCCCAAACTCCCCAAGCCTGGTCACTGCCCGCAGCCCTCCACCGGATGCCCCCCGCCC[G>A]GAAAAGCGCTGCTGCAAGGGTTTCTGCATCGACATTCTGAAGCGGCTGGCGCATACCATC-3'
Protein context (NP_000827.2, residues 469-489): THSPPPDAPR[Pro479=]EKRCCKGFCI